The following is an entry in ClinVar:

ClinVar aggregate classification (germline): Uncertain significance. Review status: criteria provided, multiple submitters, no conflicts (2 of 4 stars). 2 submissions from 2 submitters: Uncertain significance (2). Last evaluated 2025-01-20.

Conditions:
Inborn genetic diseases. Identifiers: MedGen C0950123, MeSH D030342.
Ellis-van Creveld syndrome (EVC). Also called: MESOECTODERMAL DYSPLASIA; Chondroectodermal dysplasia; EVC-Related Ellis-van Creveld Syndrome; EVC2-Related Ellis-van Creveld Syndrome. Identifiers: Orphanet 289, MedGen C0013903, MONDO:0009162, OMIM 225500.
Curry-Hall syndrome (WAD). Also called: WEYERS ACRODENTAL DYSOSTOSIS. Identifiers: Orphanet 952, MedGen C0457013, MONDO:0008673, OMIM 193530.

Allele frequency attached by ClinVar (database versions not stated): ESP Exome Variant Server 0.00015.
gnomAD v4.1: 5 of 1,614,060 alleles (0.00031%); highest among the groups gnomAD compares: East Asian, 0.0089%; no homozygotes.

Submissions (2):

Labcorp Genetics (formerly Invitae), Labcorp
Classification: Uncertain significance for Curry-Hall syndrome; Ellis-van Creveld syndrome. Last evaluated: 2025-01-20. Review status: criteria provided, single submitter. Criteria: Invitae Variant Classification Sherloc (09022015). Collection method: clinical testing. Allele origin: germline.
Comment: This sequence change replaces proline, which is neutral and non-polar, with histidine, which is basic and polar, at codon 145 of the EVC2 protein (p.Pro145His). This variant is present in population databases (rs369955469, gnomAD 0.006%). This variant has not been reported in the literature in individuals affected with EVC2-related conditions. ClinVar contains an entry for this variant (Variation ID: 2161025). An algorithm developed to predict the effect of missense changes on protein structure and function (PolyPhen-2) suggests that this variant is likely to be disruptive. In summary, the available evidence is currently insufficient to determine the role of this variant in disease. Therefore, it has been classified as a Variant of Uncertain Significance.

Ambry Genetics
Classification: Uncertain significance for Inborn genetic diseases. Last evaluated: 2024-02-28. Review status: criteria provided, single submitter. Criteria: Ambry Variant Classification Scheme 2023. Collection method: clinical testing. Allele origin: germline.

NM_147127.5(EVC2):c.434C>A (p.Pro145His)

Gene: EVC2 (EvC ciliary complex subunit 2; minus strand). Cytogenetic location: 4p16.2.
Variant type: single nucleotide variant.
Coding change: c.434C>A on transcript NM_147127.5 (MANE Select); coding-DNA position 434, C replaced by A.
Protein change: p.Pro145His; replaces proline 145 with histidine.
Molecular consequence: missense variant.
Genome position (GRCh38, 1-based): chr4:5,694,351, G>T on the plus strand (C>A on the coding strand, the complement: EVC2 is on the minus strand). VCF-style: chr4-5694351-G-T. GRCh37 (hg19) VCF-style: chr4-5696078-G-T.
Other names: c.194C>A, p.Pro65His (NM_001166136.2); c.434C>A (NM_147127.4); short protein forms P65H, P145H.
Identifiers: ClinVar variation 2161025 (VCV002161025.4), dbSNP rs369955469, ClinGen allele CA2835471.
Genomic context (GRCh38, chr4:5,694,351, plus strand): 5'-CCAACTTCTGGTATTTGTGTTAAAGCATTGAACTTAATACTTACCAGGCGGTGTGTTATA[G>T]GAGACTCTCTTTTAAATAAGTTCTTCTTAGGCCAGGAGGGTATAAAAGCAAATAAGGAAT-3'
Protein context (NP_667338.3, residues 135-155): PKKNLFKRES[Pro145His]ITHRLYGDIS